The following is an entry in ClinVar:

ClinVar aggregate classification (germline): Uncertain significance. Review status: criteria provided, multiple submitters, no conflicts (2 of 4 stars). 2 submissions from 2 submitters: Uncertain significance (2). Last evaluated 2024-09-16.

Conditions:
Hereditary cancer-predisposing syndrome. Also called: Neoplastic Syndromes, Hereditary; Tumor predisposition; Hereditary neoplastic syndrome; Hereditary Cancer Syndrome. Identifiers: Orphanet 140162, MedGen C0027672, MeSH D009386, MONDO:0015356.
Tuberous sclerosis 2 (TSC2). Identifiers: Orphanet 805, MedGen C1860707, MONDO:0013199, OMIM 613254.

Submissions (2):

Labcorp Genetics (formerly Invitae), Labcorp
Classification: Uncertain significance for Tuberous sclerosis 2. Last evaluated: 2024-09-16. Review status: criteria provided, single submitter. Criteria: Invitae Variant Classification Sherloc (09022015). Collection method: clinical testing. Allele origin: germline.
Comment: This sequence change replaces glutamic acid, which is acidic and polar, with glutamine, which is neutral and polar, at codon 92 of the TSC2 protein (p.Glu92Gln). This variant is not present in population databases (gnomAD no frequency). This variant has not been reported in the literature in individuals affected with TSC2-related conditions. ClinVar contains an entry for this variant (Variation ID: 1795544). Invitae Evidence Modeling of protein sequence and biophysical properties (such as structural, functional, and spatial information, amino acid conservation, physicochemical variation, residue mobility, and thermodynamic stability) indicates that this missense variant is not expected to disrupt TSC2 protein function with a negative predictive value of 95%. In summary, the available evidence is currently insufficient to determine the role of this variant in disease. Therefore, it has been classified as a Variant of Uncertain Significance.

Ambry Genetics
Classification: Uncertain significance for Hereditary cancer-predisposing syndrome. Last evaluated: 2023-11-21. Review status: criteria provided, single submitter. Criteria: Ambry Variant Classification Scheme 2023. Collection method: clinical testing. Allele origin: germline.
Comment: The p.E92Q variant (also known as c.274G>C), located in coding exon 3 of the TSC2 gene, results from a G to C substitution at nucleotide position 274. The glutamic acid at codon 92 is replaced by glutamine, an amino acid with highly similar properties. In addition, this alteration is predicted to be tolerated by in silico analysis. Since supporting evidence is limited at this time, the clinical significance of this alteration remains unclear.

NM_000548.5(TSC2):c.274G>C (p.Glu92Gln)

Gene: TSC2 (TSC complex subunit 2; plus strand). Cytogenetic location: 16p13.3.
Variant type: single nucleotide variant.
Coding change: c.274G>C on transcript NM_000548.5 (MANE Select); coding-DNA position 274, G replaced by C.
Protein change: p.Glu92Gln; replaces glutamic acid 92 with glutamine.
Molecular consequence: missense variant. On other transcripts: intron variant (2).
Genome position (GRCh38, 1-based): chr16:2,053,390, G>C. VCF-style: chr16-2053390-G-C. GRCh37 (hg19) VCF-style: chr16-2103391-G-C.
Other names: c.274G>C, p.Glu92Gln (NM_001114382.3, NM_001363528.2, NM_001370404.1 and 10 more transcripts); c.127G>C, p.Glu43Gln (NM_001318829.2, NM_001406675.1, NM_001406676.1 and 2 more transcripts); c.307G>C, p.Glu103Gln (NM_001318832.2); c.-543G>C (NM_001406680.1, NM_001406683.1, NM_001406687.1); c.-172G>C (NM_001406681.1); c.-1158G>C (NM_001406689.1, NM_001406690.1, NM_001406691.1 and 2 more transcripts); c.-1464G>C (NM_001406693.1); c.-1039G>C (NM_001406694.1, NM_001406695.1); and 4 more; short protein forms E103Q, E43Q, E92Q.
Identifiers: ClinVar variation 1795544 (VCV001795544.4), dbSNP rs1325855418, ClinGen allele CA394305687.